The following is an entry in ClinVar:

ClinVar aggregate classification (germline): Pathogenic. Review status: criteria provided, single submitter (1 of 4 stars). 2 submissions from 2 submitters: Pathogenic (1). 1 of the submissions does not count toward it. Last evaluated 2023-05-09.

Conditions:
Familial adenomatous polyposis 1 (FAP1). Also called: FAMILIAL ADENOMATOUS POLYPOSIS 1, ATTENUATED; POLYPOSIS, ADENOMATOUS INTESTINAL. Identifiers: MedGen C2713442, MONDO:0021056, OMIM 175100. Disease mechanism: loss of function.

Submissions (2):

Myriad Genetics, Inc.
Classification: Pathogenic for Familial adenomatous polyposis 1. Last evaluated: 2023-05-09. Review status: criteria provided, single submitter. Criteria: Myriad Autosomal Dominant, Autosomal Recessive and X-Linked Classification Criteria (2023). Collection method: clinical testing. Allele origin: unknown.
Comment: This variant is considered pathogenic. This variant creates a frameshift predicted to result in premature protein truncation.

Mayo Clinic Laboratories, Mayo Clinic
Classification: Likely pathogenic. Review status: no assertion criteria provided. Collection method: research. Allele origin: unknown. Observed: 1 variant allele. Not counted in ClinVar's aggregate classification.

NM_000038.6(APC):c.3535dup (p.Tyr1179fs)

Gene: APC (APC regulator of Wnt signaling pathway; plus strand). Cytogenetic location: 5q22.2.
Variant type: Duplication.
Coding change: c.3535dup on transcript NM_000038.6 (MANE Select); coding-DNA position 3535, one base duplicated (T; older notation c.3535dupT).
Protein change: p.Tyr1179fs; shifts the reading frame from tyrosine 1179.
Molecular consequence: frameshift variant.
Genome position (GRCh38, 1-based): chr5:112,839,129, T duplicated; the last of 2 consecutive T bases (chr5:112,839,128-112,839,129); duplicating either gives the same sequence. VCF-style (leftmost placement, unchanged base first): chr5-112839127-A-AT. GRCh37 (hg19) VCF-style: chr5-112174824-A-AT.
Other names: c.3535dup, p.Tyr1179fs (NM_001127510.3, NM_001354895.2); c.3481dup, p.Tyr1161fs (NM_001127511.3); c.3589dup, p.Tyr1197fs (NM_001354896.2); c.3565dup, p.Tyr1189fs (NM_001354897.2); c.3460dup, p.Tyr1154fs (NM_001354898.2); c.3451dup, p.Tyr1151fs (NM_001354899.2); c.3412dup, p.Tyr1138fs (NM_001354900.2); c.3358dup, p.Tyr1120fs (NM_001354901.2); and 5 more; short protein forms Y1078fs, Y1120fs, Y1138fs, Y1151fs, Y1179fs, Y1197fs, Y1088fs, Y1189fs.
Identifiers: ClinVar variation 217967 (VCV000217967.7), dbSNP rs863225343, ClinGen allele CA279745.